The following is an entry in ClinVar:

ClinVar aggregate classification (germline): Likely pathogenic (1 of 4 stars; one submission).

Conditions:
Arginase deficiency. Also called: Arginase 1 Deficiency; ARGININEMIA; ARG1 DEFICIENCY. Identifiers: Orphanet 90, MedGen C0268548, MONDO:0008814, OMIM 207800.

Submission:

Myriad Genetics, Inc.
Classification: Likely pathogenic for Arginase deficiency. Last evaluated: 2022-02-02. Review status: criteria provided, single submitter. Criteria: Myriad Women's Health Autosomal Recessive and X-Linked Classification Criteria (2021). Collection method: clinical testing. Allele origin: unknown.
Comment: NM_000045.3(ARG1):c.143_146delAGGA(K48Ifs*19) is expected to be pathogenic in the context of argininemia. This variant is predicted to lead to an abnormal or absent protein product due to the creation of a premature termination codon in ARG1, a gene where loss-of-function variants are known to be pathogenic. Please note: this variant was assessed in the context of healthy population screening.

NM_000045.4(ARG1):c.143_146del (p.Lys48fs)

Genes: MED23 (mediator complex subunit 23; minus strand), ARG1 (arginase 1; plus strand). Cytogenetic location: 6q23.2.
Variant type: Deletion.
Coding change: c.143_146del on transcript NM_000045.4 (MANE Select); coding-DNA positions 143 to 146, 4 bases deleted (AGGA; older notation c.143_146delAGGA).
Protein change: p.Lys48fs; shifts the reading frame from lysine 48.
Molecular consequence: frameshift variant. On other transcripts: non-coding transcript variant (1), intron variant (2).
Genome position (GRCh38, 1-based): chr6:131,579,123-131,579,126, AGGA deleted; deleting any 4 consecutive bases within chr6:131,579,121-131,579,126 gives the same sequence; the c. name uses the placement nearest the transcript's 3' end. VCF-style (leftmost placement, unchanged base first): chr6-131579120-TGAAG-T. GRCh37 (hg19) VCF-style: chr6-131900260-TGAAG-T.
Other names: c.167_170del, p.Lys56fs (NM_001244438.2); c.143_146del, p.Lys48fs (NM_001369020.1); c.4078-4829_4078-4826del (NM_001270521.2); c.4096-4829_4096-4826del (NM_015979.4); short protein forms K48fs, K56fs.
Identifiers: ClinVar variation 1724217 (VCV001724217.2), dbSNP rs2482351242, ClinGen allele CA2580075099.